The following is an entry in ClinVar:

ClinVar aggregate classification (germline): Uncertain significance (1 of 4 stars; one submission).

Conditions:
Dilated cardiomyopathy 1II (CMD1II). Identifiers: Orphanet 154, MedGen C3554649, MONDO:0014073, OMIM 615184.

Submission:

Labcorp Genetics (formerly Invitae), Labcorp
Classification: Uncertain significance for Dilated cardiomyopathy 1II. Last evaluated: 2021-02-19. Review status: criteria provided, single submitter. Criteria: Invitae Variant Classification Sherloc (09022015). Collection method: clinical testing. Allele origin: germline.
Comment: This variant has not been reported in the literature in individuals with CRYAB-related conditions. This sequence change replaces proline with alanine at codon 167 of the CRYAB protein (p.Pro167Ala). The proline residue is moderately conserved and there is a small physicochemical difference between proline and alanine. This variant is not present in population databases (ExAC no frequency). Algorithms developed to predict the effect of missense changes on protein structure and function are either unavailable or do not agree on the potential impact of this missense change (SIFT: "Deleterious"; PolyPhen-2: "Benign"; Align-GVGD: "Class C0"). In summary, the available evidence is currently insufficient to determine the role of this variant in disease. Therefore, it has been classified as a Variant of Uncertain Significance.

NM_001289808.2(CRYAB):c.499C>G (p.Pro167Ala)

Gene: CRYAB (crystallin alpha B; minus strand). Cytogenetic location: 11q23.1.
Variant type: single nucleotide variant.
Coding change: c.499C>G on transcript NM_001289808.2 (MANE Select); coding-DNA position 499, C replaced by G.
Protein change: p.Pro167Ala; replaces proline 167 with alanine.
Molecular consequence: missense variant.
Genome position (GRCh38, 1-based): chr11:111,908,793, G>C on the plus strand (C>G on the coding strand, the complement: CRYAB is on the minus strand). VCF-style: chr11-111908793-G-C. GRCh37 (hg19) VCF-style: chr11-111779517-G-C.
Other names: c.499C>G, p.Pro167Ala (NM_001289807.1, NM_001368245.1, NM_001885.3); c.298C>G, p.Pro100Ala (NM_001330379.1, NM_001368246.1); short protein forms P100A, P167A.
Identifiers: ClinVar variation 1025875 (VCV001025875.8), dbSNP rs1965354125, ClinGen allele CA382595488.